The following is an entry in ClinVar:

ClinVar aggregate classification (germline): Uncertain significance (1 of 4 stars; one submission).

Allele frequency attached by ClinVar (database versions not stated): ExAC 0.00001; gnomAD exomes 0.00001.
gnomAD v4.1: 4 of 1,613,316 alleles (0.00025%); highest among the groups gnomAD compares: Middle Eastern, 0.017%; no homozygotes.

Submission:

Labcorp Genetics (formerly Invitae), Labcorp
Classification: Uncertain significance. Last evaluated: 2024-01-29. Review status: criteria provided, single submitter. Criteria: Invitae Variant Classification Sherloc (09022015). Collection method: clinical testing. Allele origin: germline.
Comment: This sequence change replaces arginine, which is basic and polar, with cysteine, which is neutral and slightly polar, at codon 558 of the SNRNP200 protein (p.Arg558Cys). The frequency data for this variant in the population databases is considered unreliable, as metrics indicate poor data quality at this position in the gnomAD database. This variant has not been reported in the literature in individuals affected with SNRNP200-related conditions. ClinVar contains an entry for this variant (Variation ID: 1909111). An algorithm developed to predict the effect of missense changes on protein structure and function (PolyPhen-2) suggests that this variant is likely to be disruptive. In summary, the available evidence is currently insufficient to determine the role of this variant in disease. Therefore, it has been classified as a Variant of Uncertain Significance.

NM_014014.5(SNRNP200):c.1672C>T (p.Arg558Cys)

Gene: SNRNP200 (small nuclear ribonucleoprotein U5 subunit 200; minus strand). Cytogenetic location: 2q11.2.
Variant type: single nucleotide variant.
Coding change: c.1672C>T on transcript NM_014014.5 (MANE Select); coding-DNA position 1672, C replaced by T.
Protein change: p.Arg558Cys; replaces arginine 558 with cysteine.
Molecular consequence: missense variant.
Genome position (GRCh38, 1-based): chr2:96,295,658, G>A on the plus strand (C>T on the coding strand, the complement: SNRNP200 is on the minus strand). VCF-style: chr2-96295658-G-A. GRCh37 (hg19) VCF-style: chr2-96961396-G-A.
Other names: short protein forms R558C.
Identifiers: ClinVar variation 1909111 (VCV001909111.5), dbSNP rs779682920, ClinGen allele CA1778861.
Genomic context (GRCh38, chr2:96,295,658, plus strand): 5'-CTTTGCACAGCTGGTGGTCCCCAGTCAGTTCAGCAACAGTGATGCCATAAGTGGCCAGGC[G>A]CTGTGGGAGGAAAACTACATCAGGCAGGAATGCTTGAAGGGGCCTGGACACCATGCTTTC-3'
Protein context (NP_054733.2, residues 548-568): VQEMVGSFGK[Arg558Cys]LATYGITVAE